The following is an entry in ClinVar:

NM_001008212.2(OPTN):c.402C>A (p.Ala134=)

Gene: OPTN (optineurin; plus strand). Cytogenetic location: 10p13.
Variant type: single nucleotide variant.
Coding change: c.402C>A on transcript NM_001008212.2 (MANE Select); coding-DNA position 402, C replaced by A.
Protein change: p.Ala134=; no amino-acid change (alanine 134 retained).
Molecular consequence: synonymous variant.
Genome position (GRCh38, 1-based): chr10:13,112,485, C>A. VCF-style: chr10-13112485-C-A. GRCh37 (hg19) VCF-style: chr10-13154485-C-A.
Other names: p.Ala134=; c.402C>A, p.Ala134= (NM_001008211.1, NM_001008213.1, NM_021980.4).
Identifiers: ClinVar variation 299210 (VCV000299210.23), dbSNP rs113955718, ClinGen allele CA5410613.

ClinVar aggregate classification (germline): Benign/Likely benign. Review status: criteria provided, multiple submitters, no conflicts (2 of 4 stars). 9 submissions from 8 submitters: Benign (5); Likely benign (4). Last evaluated 2026-01-25.

Conditions:
Inborn genetic diseases. Identifiers: MedGen C0950123, MeSH D030342.
Glaucoma 1, open angle, E. Identifiers: MedGen C1842026, MONDO:0007665.
Amyotrophic lateral sclerosis type 12 (ALS12). Also called: AMYOTROPHIC LATERAL SCLEROSIS 12 WITH OR WITHOUT FRONTOTEMPORAL DEMENTIA. Identifiers: Orphanet 803, MedGen C3150692, MONDO:0013264, OMIM 613435.
Primary open angle glaucoma (POAG). Also called: OPTN-related open angle glaucoma. Identifiers: MedGen C0339573, MONDO:0100553, OMIM 137760.
Glaucoma, normal tension, susceptibility to (NTG). Also called: GLAUCOMA, NORMAL PRESSURE, SUSCEPTIBILITY TO. Identifiers: MedGen C1847730, MONDO:0011693, OMIM 606657.

Allele frequency attached by ClinVar (database versions not stated): TOPMed 0.00770; 1000 Genomes Project 0.00819; ESP Exome Variant Server 0.00900; 1000 Genomes Project 30x 0.00937.
gnomAD v4.1: 2,230 of 1,613,898 alleles (0.14%); highest among the groups gnomAD compares: African/African-American, 2.5%; 30 homozygotes.

Submissions (9):

Labcorp Genetics (formerly Invitae), Labcorp
Classification: Benign for Primary open angle glaucoma; Glaucoma 1, open angle, E; Amyotrophic lateral sclerosis type 12. Last evaluated: 2026-01-25. Review status: criteria provided, single submitter. Criteria: Invitae Variant Classification Sherloc (09022015). Collection method: clinical testing. Allele origin: germline.

Mayo Clinic Laboratories, Mayo Clinic
Classification: Benign. Last evaluated: 2023-06-01. Review status: criteria provided, single submitter. Criteria: ACMG Guidelines, 2015. Collection method: clinical testing. Allele origin: germline. Observed: 3 variant alleles.
Comment: BS1, BS2, BP4, BP7

Fulgent Genetics
Classification: Likely benign for Primary open angle glaucoma; Glaucoma, normal tension, susceptibility to; Amyotrophic lateral sclerosis type 12. Last evaluated: 2021-07-15. Review status: criteria provided, single submitter. Criteria: ACMG Guidelines, 2015. Collection method: clinical testing. Allele origin: unknown.

GeneDx
Classification: Likely benign. Last evaluated: 2021-01-12. Review status: criteria provided, single submitter. Criteria: GeneDx Variant Classification Process June 2021. Collection method: clinical testing. Allele origin: germline. Affected: yes.

Ambry Genetics
Classification: Likely benign for Inborn genetic diseases. Last evaluated: 2019-07-11. Review status: criteria provided, single submitter. Criteria: Ambry Variant Classification Scheme 2023. Collection method: clinical testing. Allele origin: germline.

Illumina Laboratory Services, Illumina
Classification: Benign for Amyotrophic lateral sclerosis type 12. Last evaluated: 2018-01-13. Review status: criteria provided, single submitter. Criteria: ICSL Variant Classification Criteria 13 December 2019. Collection method: clinical testing. Allele origin: germline.
Comment: This variant was observed in the ICSL laboratory as part of a predisposition screen in an ostensibly healthy population. It had not been previously curated by ICSL or reported in the Human Gene Mutation Database (HGMD: prior to June 1st, 2018), and was therefore a candidate for classification through an automated scoring system. Utilizing variant allele frequency, disease prevalence and penetrance estimates, and inheritance mode, an automated score was calculated to assess if this variant is too frequent to cause the disease. Based on the score and internal cut-off values, a variant classified as benign is not then subjected to further curation. The score for this variant resulted in a classification of benign for this disease.

Illumina Laboratory Services, Illumina
Classification: Benign for Primary open angle glaucoma. Last evaluated: 2018-01-13. Review status: criteria provided, single submitter. Criteria: ICSL Variant Classification Criteria 13 December 2019. Collection method: clinical testing. Allele origin: germline.
Comment: the same text as in the submission from Illumina Laboratory Services, Illumina above.

Athena Diagnostics
Classification: Benign. Last evaluated: 2017-12-21. Review status: criteria provided, single submitter. Criteria: Athena Diagnostics Criteria. Collection method: clinical testing. Allele origin: germline.

Breakthrough Genomics
Classification: Likely benign. Review status: criteria provided, single submitter. Criteria: ACMG Guidelines, 2015. Collection method: not provided. Allele origin: germline. Inheritance: Autosomal recessive inheritance. Affected: yes.

Literature cited by the submitters: PubMed 19096531 (cited by Athena Diagnostics); PubMed 17293779 (cited by Athena Diagnostics); PubMed 12789137 (cited by Athena Diagnostics); PubMed 22892313 (cited by Athena Diagnostics).